The following is an entry in ClinVar:

ClinVar aggregate classification (germline): Uncertain significance. Review status: criteria provided, single submitter (1 of 4 stars). 4 submissions from 4 submitters: Uncertain significance (1). 3 of the submissions do not count toward it. Last evaluated 2025-04-20.

Conditions:
ZNF41-related disorder. Also called: ZNF41-related condition.

Allele frequency attached by ClinVar (database versions not stated): gnomAD exomes 0.00041 and 0.00029; gnomAD 0.00033 and 0.00034; TOPMed 0.00036; ESP Exome Variant Server 0.00019; ExAC 0.00024.
gnomAD v4.1: 481 of 1,209,662 alleles (0.04%); highest among the groups gnomAD compares: Admixed American, 0.066%; no homozygotes.

Submissions (4):

Ambry Genetics
Classification: Uncertain significance. Last evaluated: 2025-04-20. Review status: criteria provided, single submitter. Criteria: Ambry Variant Classification Scheme 2023. Collection method: clinical testing. Allele origin: germline.

PreventionGenetics, part of Exact Sciences
Classification: Likely benign for ZNF41-related condition. Last evaluated: 2022-12-22. Review status: no assertion criteria provided. Collection method: clinical testing. Allele origin: germline. Not counted in ClinVar's aggregate classification.
Comment: This variant is classified as likely benign based on ACMG/AMP sequence variant interpretation guidelines (Richards et al. 2015 PMID: 25741868, with internal and published modifications).

Clinical Genetics DNA and cytogenetics Diagnostics Lab, Erasmus MC, Erasmus Medical Center
Classification: Likely benign. Review status: no assertion criteria provided. Collection method: clinical testing. Allele origin: germline. Affected: yes. Study: VKGL Data-share Consensus. Not counted in ClinVar's aggregate classification.

Diagnostic Laboratory, Department of Genetics, University Medical Center Groningen
Classification: Likely benign. Review status: no assertion criteria provided. Collection method: clinical testing. Allele origin: germline. Affected: yes. Study: VKGL Data-share Consensus. Not counted in ClinVar's aggregate classification.

NM_001324144.2(ZNF41):c.88G>A (p.Glu30Lys)

Gene: ZNF41 (zinc finger protein 41; minus strand). Cytogenetic location: Xp11.3.
Variant type: single nucleotide variant.
Coding change: c.88G>A on transcript NM_001324144.2 (MANE Select); coding-DNA position 88, G replaced by A.
Protein change: p.Glu30Lys; replaces glutamic acid 30 with lysine.
Molecular consequence: missense variant. On other transcripts: 5 prime UTR variant (6).
Genome position (GRCh38, 1-based): chrX:47,456,383, C>T on the plus strand (G>A on the coding strand, the complement: ZNF41 is on the minus strand). VCF-style: chrX-47456383-C-T. GRCh37 (hg19) VCF-style: chrX-47315782-C-T.
Other names: c.-171G>A (NM_001324139.2, NM_001324141.2, NM_001324143.2 and 3 more transcripts); c.88G>A, p.Glu30Lys (NM_001324140.2, NM_001324147.2, NM_001324150.2 and 3 more transcripts); c.94G>A, p.Glu32Lys (NM_001324142.2, NM_001324148.2, NM_001324156.1); c.118G>A, p.Glu40Lys (NM_001324151.2, NM_001324153.2); c.190G>A, p.Glu64Lys (NM_001324154.1); c.214G>A, p.Glu72Lys (NM_001324155.1); c.88G>A (NM_153380.2); short protein forms E30K, E32K, E40K, E64K, E72K.
Identifiers: ClinVar variation 1174897 (VCV001174897.9), dbSNP rs200141273, ClinGen allele CA10397846.